The following is an entry in ClinVar:

NM_024649.5(BBS1):c.667del (p.Thr223fs)

Gene: BBS1 (Bardet-Biedl syndrome 1; plus strand). Cytogenetic location: 11q13.2.
Variant type: Deletion.
Coding change: c.667del on transcript NM_024649.5 (MANE Select); coding-DNA position 667, one base deleted (A; older notation c.667delA).
Protein change: p.Thr223fs; shifts the reading frame from threonine 223.
Molecular consequence: frameshift variant.
Genome position (GRCh38, 1-based): chr11:66,519,692, A deleted. VCF-style (leftmost placement, unchanged base first): chr11-66519691-CA-C. GRCh37 (hg19) VCF-style: chr11-66287162-CA-C.
Other names: c.667del (NM_024649.4); short protein forms T223fs.
Identifiers: ClinVar variation 2700814 (VCV002700814.5), dbSNP rs2495752615, ClinGen allele CA2697548708.

ClinVar aggregate classification (germline): Pathogenic/Likely pathogenic. Review status: criteria provided, multiple submitters, no conflicts (2 of 4 stars). 3 submissions from 3 submitters: Pathogenic (2); Likely pathogenic (1). Last evaluated 2026-03-10.

Conditions:
Bardet-Biedl syndrome (BBS). Identifiers: Orphanet 110, MedGen C0752166, MONDO:0015229.
Bardet-Biedl syndrome 1 (BBS1). Identifiers: MedGen C2936862, MONDO:0008854, OMIM 209900. Disease mechanism: loss of function.

Submissions (3):

Myriad Genetics, Inc.
Classification: Pathogenic for Bardet-Biedl syndrome 1. Last evaluated: 2026-03-10. Review status: criteria provided, single submitter. Criteria: Myriad Autosomal Dominant, Autosomal Recessive and X-Linked Classification Criteria (2023). Collection method: clinical testing. Allele origin: unknown.
Comment: NM_024649.4(BBS1):c.667delA(T223Pfs*17) is expected to be pathogenic in the context of Bardet-Biedl syndrome, BBS1-related. This variant is predicted to lead to an abnormal or absent protein product due to the creation of a premature termination codon in BBS1, a gene where loss-of-function variants are known to be pathogenic. Please note: this variant was assessed in the context of healthy population screening.

Labcorp Genetics (formerly Invitae), Labcorp
Classification: Pathogenic for Bardet-Biedl syndrome. Last evaluated: 2023-12-16. Review status: criteria provided, single submitter. Criteria: Invitae Variant Classification Sherloc (09022015). Collection method: clinical testing. Allele origin: germline.
Comment: This sequence change creates a premature translational stop signal (p.Thr223Profs*17) in the BBS1 gene. It is expected to result in an absent or disrupted protein product. Loss-of-function variants in BBS1 are known to be pathogenic (PMID: 12118255, 21520335, 27032803). This variant is not present in population databases (gnomAD no frequency). This variant has not been reported in the literature in individuals affected with BBS1-related conditions. Algorithms developed to predict the effect of sequence changes on RNA splicing suggest that this variant may disrupt the consensus splice site. For these reasons, this variant has been classified as Pathogenic.

DNA-diagnostics Laboratory, Research Centre For Medical Genetics
Classification: Likely pathogenic for Bardet-Biedl syndrome 1. Review status: criteria provided, single submitter. Criteria: ACMG Guidelines, 2015. Collection method: clinical testing. Allele origin: germline. Affected: yes.

Literature cited by the submitters: PubMed 12118255 (cited by Labcorp Genetics (formerly Invitae), Labcorp); PubMed 21520335 (cited by Labcorp Genetics (formerly Invitae), Labcorp); PubMed 27032803 (cited by Labcorp Genetics (formerly Invitae), Labcorp).